The following is an entry in ClinVar:

ClinVar aggregate classification (germline): Likely benign. Review status: criteria provided, single submitter (1 of 4 stars). 2 submissions from 2 submitters: Likely benign (1). 1 of the submissions does not count toward it. Last evaluated 2024-11-28.

Conditions:
VTN-related disorder. Also called: VTN-related condition.

Allele frequency attached by ClinVar (database versions not stated): gnomAD exomes 0.95060; ESP Exome Variant Server 0.96202; gnomAD 0.96245; TOPMed 0.96353; 1000 Genomes Project 0.97863; 1000 Genomes Project 30x 0.97986.

Submissions (2):

Blueprint Genetics
Classification: Likely benign. Last evaluated: 2024-11-28. Review status: criteria provided, single submitter. Criteria: ACMG Guidelines, 2015. Collection method: clinical testing. Allele origin: germline.

PreventionGenetics, part of Exact Sciences
Classification: Benign for VTN-related condition. Last evaluated: 2019-10-31. Review status: no assertion criteria provided. Collection method: clinical testing. Allele origin: germline. Not counted in ClinVar's aggregate classification.
Comment: This variant is classified as benign based on ACMG/AMP sequence variant interpretation guidelines (Richards et al. 2015 PMID: 25741868, with internal and published modifications).

NM_000638.4(VTN):c.827-10T>C

Gene: VTN (vitronectin; minus strand). Cytogenetic location: 17q11.2.
Variant type: single nucleotide variant.
Coding change: c.827-10T>C on transcript NM_000638.4 (MANE Select); 10 bases into the intron before coding-DNA position 827, T replaced by C.
Molecular consequence: intron variant.
Genome position (GRCh38, 1-based): chr17:28,368,683, A>G on the plus strand (T>C on the coding strand, the complement: VTN is on the minus strand). VCF-style: chr17-28368683-A-G. GRCh37 (hg19) VCF-style: chr17-26695704-A-G.
Identifiers: ClinVar variation 3059434 (VCV003059434.3), dbSNP rs2227725, ClinGen allele CA8457512.